The following is an entry in ClinVar:

NM_001242957.3(MAK):c.1075C>G (p.Pro359Ala)

Gene: MAK (male germ cell associated kinase; minus strand). Cytogenetic location: 6p24.2.
Variant type: single nucleotide variant.
Coding change: c.1075C>G on transcript NM_001242957.3 (MANE Select); coding-DNA position 1075, C replaced by G.
Protein change: p.Pro359Ala; replaces proline 359 with alanine.
Molecular consequence: missense variant. On other transcripts: non-coding transcript variant (2).
Genome position (GRCh38, 1-based): chr6:10,796,066, G>C on the plus strand (C>G on the coding strand, the complement: MAK is on the minus strand). VCF-style: chr6-10796066-G-C. GRCh37 (hg19) VCF-style: chr6-10796299-G-C.
Other names: c.1075C>G, p.Pro359Ala (NM_001242385.2, NM_005906.6); c.973C>G, p.Pro325Ala (NM_001377262.1); short protein forms P325A, P359A.
Identifiers: ClinVar variation 1004568 (VCV001004568.8), dbSNP rs1775527825, ClinGen allele CA362719280.

ClinVar aggregate classification (germline): Uncertain significance (1 of 4 stars; one submission).

Allele frequency attached by ClinVar (database versions not stated): TOPMed below 0.00001.

Submission:

Labcorp Genetics (formerly Invitae), Labcorp
Classification: Uncertain significance. Last evaluated: 2024-12-02. Review status: criteria provided, single submitter. Criteria: Invitae Variant Classification Sherloc (09022015). Collection method: clinical testing. Allele origin: germline.
Comment: This sequence change replaces proline, which is neutral and non-polar, with alanine, which is neutral and non-polar, at codon 359 of the MAK protein (p.Pro359Ala). This variant is not present in population databases (gnomAD no frequency). This variant has not been reported in the literature in individuals affected with MAK-related conditions. ClinVar contains an entry for this variant (Variation ID: 1004568). Invitae Evidence Modeling of protein sequence and biophysical properties (such as structural, functional, and spatial information, amino acid conservation, physicochemical variation, residue mobility, and thermodynamic stability) indicates that this missense variant is not expected to disrupt MAK protein function with a negative predictive value of 95%. In summary, the available evidence is currently insufficient to determine the role of this variant in disease. Therefore, it has been classified as a Variant of Uncertain Significance.